The following is an entry in ClinVar:

ClinVar aggregate classification (germline): Benign/Likely benign. Review status: criteria provided, multiple submitters, no conflicts (2 of 4 stars). 7 submissions from 6 submitters: Benign (5); Likely benign (2). Last evaluated 2026-01-21.

Conditions:
Hereditary angioedema type 3 (HAE3). Also called: HAE WITH NORMAL C1 INHIBITOR CONCENTRATION AND FUNCTION; ANGIONEUROTIC EDEMA, HEREDITARY, WITH NORMAL C1 INHIBITOR CONCENTRATION AND FUNCTION; ESTROGEN-RELATED HAE; ESTROGEN-SENSITIVE HAE. Identifiers: Orphanet 100054, MedGen C1857728, MONDO:0012526, OMIM 610618.
Factor XII deficiency disease. Also called: F12 DEFICIENCY; HAF DEFICIENCY; Congenital factor XII deficiency; Reduced factor XII activity. Identifiers: Orphanet 330, MedGen C0015526, MONDO:0009315, OMIM 234000, HP:0004841.

Allele frequency attached by ClinVar (database versions not stated): 1000 Genomes Project 0.00919; 1000 Genomes Project 30x 0.00921; TOPMed 0.01958; ESP Exome Variant Server 0.02044; gnomAD 0.02299 and 0.02352.
gnomAD v4.1: 44,246 of 1,608,338 alleles (2.8%); highest among the groups gnomAD compares: Non-Finnish European, 3.1%; 749 homozygotes.

Submissions (7):

Labcorp Genetics (formerly Invitae), Labcorp
Classification: Benign. Last evaluated: 2026-01-21. Review status: criteria provided, single submitter. Criteria: Invitae Variant Classification Sherloc (09022015). Collection method: clinical testing. Allele origin: germline.

Blueprint Genetics
Classification: Likely benign. Last evaluated: 2024-11-26. Review status: criteria provided, single submitter. Criteria: ACMG Guidelines, 2015. Collection method: clinical testing. Allele origin: germline.

Mayo Clinic Laboratories, Mayo Clinic
Classification: Likely benign. Last evaluated: 2021-08-24. Review status: criteria provided, single submitter. Criteria: ACMG Guidelines, 2015. Collection method: clinical testing. Allele origin: germline. Observed: 16 variant alleles.

GeneDx
Classification: Benign. Last evaluated: 2021-05-05. Review status: criteria provided, single submitter. Criteria: GeneDx Variant Classification Process June 2021. Collection method: clinical testing. Allele origin: germline. Affected: yes.

Illumina Laboratory Services, Illumina
Classification: Benign for Factor XII deficiency disease. Last evaluated: 2018-01-13. Review status: criteria provided, single submitter. Criteria: ICSL Variant Classification Criteria 13 December 2019. Collection method: clinical testing. Allele origin: germline.
Comment: This variant was observed in the ICSL laboratory as part of a predisposition screen in an ostensibly healthy population. It had not been previously curated by ICSL or reported in the Human Gene Mutation Database (HGMD: prior to June 1st, 2018), and was therefore a candidate for classification through an automated scoring system. Utilizing variant allele frequency, disease prevalence and penetrance estimates, and inheritance mode, an automated score was calculated to assess if this variant is too frequent to cause the disease. Based on the score and internal cut-off values, a variant classified as benign is not then subjected to further curation. The score for this variant resulted in a classification of benign for this disease.

Illumina Laboratory Services, Illumina
Classification: Benign for Hereditary angioedema type 3. Last evaluated: 2018-01-13. Review status: criteria provided, single submitter. Criteria: ICSL Variant Classification Criteria 13 December 2019. Collection method: clinical testing. Allele origin: germline.
Comment: the same text as in the submission from Illumina Laboratory Services, Illumina above.

CeMIA
Classification: Benign for Hereditary angioedema type 3. Review status: criteria provided, single submitter. Criteria: ACMG Guidelines, 2015. Collection method: clinical testing. Allele origin: germline. Affected: no. Observed: 14 variant alleles.
Comment: The synonymous variant c.711C>T, located in exon 8 of the F12 gene, was detected in our cohort in 8 nC1-INH-HAE and 6 type I C1-INH-HAE patients. It has been detected in 2.275% alleles worldwide (gnomAD database) and its allele frequency is greater than that expected for FXII-HAE. The variant is reported as benign in ClinVar database in patients with FXII-HAE. Taking all the above into account and according to ACMG Guidelines (Criteria: BS1, BS2, BP5, BP6) the variant is considered benign.

NM_000505.4(F12):c.711C>T (p.Pro237=)

Gene: F12 (coagulation factor XII; minus strand). Cytogenetic location: 5q35.3.
Variant type: single nucleotide variant.
Coding change: c.711C>T on transcript NM_000505.4 (MANE Select); coding-DNA position 711, C replaced by T.
Protein change: p.Pro237=; no amino-acid change (proline 237 retained).
Molecular consequence: synonymous variant.
Genome position (GRCh38, 1-based): chr5:177,404,588, G>A on the plus strand (C>T on the coding strand, the complement: F12 is on the minus strand). VCF-style: chr5-177404588-G-A. GRCh37 (hg19) VCF-style: chr5-176831589-G-A.
Other names: p.Pro237=.
Identifiers: ClinVar variation 352999 (VCV000352999.17), dbSNP rs17876047, ClinGen allele CA3581404.
Genomic context (GRCh38, chr5:177,404,588, plus strand): 5'-GTTCCGCGCTTGCTCGGCAGTCACGTTCCGGTAGGTGGCCTCCGAGGCCCACGGCTGACA[G>A]GGCGCACCCGAGAGCGTGGTCCTGGCCAGGCCGCGGTAGCTGAGCCCGCGGCCATCATAG-3'
Protein context (NP_000496.2, residues 227-247): GLARTTLSGA[Pro237=]CQPWASEATY